The following is an entry in ClinVar:

ClinVar aggregate classification (germline): Likely pathogenic (1 of 4 stars; one submission).

Conditions:
Familial thoracic aortic aneurysm and aortic dissection (TAAD). Also called: Thoracic aortic aneurysms and dissections. Identifiers: Orphanet 91387, MedGen C4707243, MONDO:0019625.

Submission:

Labcorp Genetics (formerly Invitae), Labcorp
Classification: Likely pathogenic for Familial thoracic aortic aneurysm and aortic dissection. Last evaluated: 2025-01-21. Review status: criteria provided, single submitter. Criteria: Invitae Variant Classification Sherloc (09022015). Collection method: clinical testing. Allele origin: germline.
Comment: This sequence change affects a donor splice site in intron 2 of the SMAD3 gene. It is expected to disrupt RNA splicing. Variants that disrupt the donor or acceptor splice site typically lead to a loss of protein function (PMID: 16199547), and loss-of-function variants in SMAD3 are known to be pathogenic (PMID: 21778426, 24804794). This variant is not present in population databases (gnomAD no frequency). This variant has not been reported in the literature in individuals affected with SMAD3-related conditions. Algorithms developed to predict the effect of sequence changes on RNA splicing suggest that this variant may disrupt the consensus splice site. In summary, the currently available evidence indicates that the variant is pathogenic, but additional data are needed to prove that conclusively. Therefore, this variant has been classified as Likely Pathogenic.

Literature cited by the submitters: PubMed 16199547; PubMed 21778426; PubMed 24804794.

NM_005902.4(SMAD3):c.400+1G>A

Gene: SMAD3 (SMAD family member 3; plus strand). Cytogenetic location: 15q22.33.
Variant type: single nucleotide variant.
Coding change: c.400+1G>A on transcript NM_005902.4 (MANE Select); the canonical splice donor site of the intron after coding-DNA position 400, G replaced by A.
Molecular consequence: splice donor variant.
Genome position (GRCh38, 1-based): chr15:67,165,089, G>A. VCF-style: chr15-67165089-G-A. GRCh37 (hg19) VCF-style: chr15-67457427-G-A.
Other names: c.400+1G>A (NM_001407011.1, NM_001407013.1, NM_001407012.1); c.253+1G>A (NM_001407014.1); c.85+1G>A (NM_001145102.2, NM_001407015.1, NM_001407016.1); c.268+1G>A (NM_001145103.2).
Identifiers: ClinVar variation 3671492 (VCV003671492.2).